The following is an entry in ClinVar:

NM_194248.3(OTOF):c.5814-1_5833del

Gene: OTOF (otoferlin; minus strand). Cytogenetic location: 2p23.3.
Variant type: Deletion.
Coding change: c.5814-1_5833del on transcript NM_194248.3 (MANE Select); the canonical splice acceptor site of the intron before coding-DNA position 5814 through coding-DNA position 5833, 21 bases deleted (GCCGGCCCGACACGAGCTTCA).
Molecular consequence: splice acceptor variant. On other transcripts: intron variant (2).
Genome position (GRCh38, 1-based): chr2:26,460,186-26,460,206, TGAAGCTCGTGTCGGGCCGGC deleted on the plus strand (GCCGGCCCGACACGAGCTTCA on the coding strand, the reverse complement: OTOF is on the minus strand); deleting any 21 consecutive bases within chr2:26,460,186-26,460,208 gives the same sequence; the c. name uses the placement nearest the transcript's 3' end. VCF-style (leftmost placement, unchanged base first): chr2-26460185-ATGAAGCTCGTGTCGGGCCGGC-A. GRCh37 (hg19) VCF-style: chr2-26683053-ATGAAGCTCGTGTCGGGCCGGC-A.
Other names: c.5813+441_5813+461del (NM_001287489.2); c.3512+441_3512+461del (NM_194323.3); c.3513-1_3532del (NM_004802.4); c.3744-1_3763del (NM_194322.3).
Identifiers: ClinVar variation 2807727 (VCV002807727.3), dbSNP rs2465486170, ClinGen allele CA2739274166.

ClinVar aggregate classification (germline): Pathogenic (1 of 4 stars; one submission).

Submission:

Labcorp Genetics (formerly Invitae), Labcorp
Classification: Pathogenic. Last evaluated: 2023-01-17. Review status: criteria provided, single submitter. Criteria: Invitae Variant Classification Sherloc (09022015). Collection method: clinical testing. Allele origin: germline.
Comment: For these reasons, this variant has been classified as Pathogenic. This variant disrupts a region of the OTOF protein in which other variant(s) (p.Arg1939Gln) have been determined to be pathogenic (PMID: 34536124). This suggests that this is a clinically significant region of the protein, and that variants that disrupt it are likely to be disease-causing. Algorithms developed to predict the effect of sequence changes on RNA splicing suggest that this variant may disrupt the consensus splice site. This variant has not been reported in the literature in individuals affected with OTOF-related conditions. This variant is not present in population databases (gnomAD no frequency). This variant results in the deletion of part of exon 46 (c.5814-1_5833del) of the OTOF gene. It is expected to disrupt RNA splicing. Variants that disrupt the donor or acceptor splice site typically lead to a loss of protein function (PMID: 16199547), and loss-of-function variants in OTOF are known to be pathogenic (PMID: 18381613, 19250381, 22575033).

Literature cited by the submitters: PubMed 34536124; PubMed 16199547; PubMed 18381613; PubMed 19250381; PubMed 22575033.